The following is an entry in ClinVar:

ClinVar aggregate classification (germline): Likely benign (1 of 4 stars; one submission).

Allele frequency attached by ClinVar (database versions not stated): gnomAD 0.00300.

Submission:

GeneDx
Classification: Likely benign. Last evaluated: 2020-10-15. Review status: criteria provided, single submitter. Criteria: GeneDx Variant Classification Process June 2021. Collection method: clinical testing. Allele origin: germline. Affected: yes.
Comment: See Variant Classification Assertion Criteria.

NM_152564.5(VPS13B):c.4042+124_4042+125insTTCC

Gene: VPS13B (vacuolar protein sorting 13 homolog B; plus strand). Cytogenetic location: 8q22.2.
Variant type: Insertion.
Coding change: c.4042+124_4042+125insTTCC on transcript NM_152564.5 (MANE Select); bases 124 to 125 of the intron after coding-DNA position 4042, TTCC inserted.
Molecular consequence: intron variant.
Genome position: GRCh38 VCF-style: chr8-99501982-T-TTTCC. GRCh37 (hg19) VCF-style: chr8-100514210-T-TTTCC.
Other names: c.4042+124_4042+125insTTCC (NM_017890.5).
Identifiers: ClinVar variation 1703958 (VCV001703958.2), dbSNP rs1234636018, ClinGen allele CA584327622.